The following is an entry in ClinVar:

ClinVar aggregate classification (germline): Uncertain significance (1 of 4 stars; one submission).

gnomAD v4.1: 1 of 1,109,650 alleles (0.00009%); highest among the groups gnomAD compares: African/African-American, 0.0019%; no homozygotes.

Submission:

Labcorp Genetics (formerly Invitae), Labcorp
Classification: Uncertain significance. Last evaluated: 2025-07-21. Review status: criteria provided, single submitter. Criteria: Invitae Variant Classification Sherloc (09022015). Collection method: clinical testing. Allele origin: germline.
Comment: This sequence change replaces alanine, which is neutral and non-polar, with serine, which is neutral and polar, at codon 529 of the COL4A6 protein (p.Ala529Ser). This variant is not present in population databases (gnomAD no frequency). This variant has not been reported in the literature in individuals affected with COL4A6-related conditions. ClinVar contains an entry for this variant (Variation ID: 3642803). Invitae Evidence Modeling of protein sequence and biophysical properties (such as structural, functional, and spatial information, amino acid conservation, physicochemical variation, residue mobility, and thermodynamic stability) indicates that this missense variant is not expected to disrupt COL4A6 protein function with a negative predictive value of 80%. In summary, the available evidence is currently insufficient to determine the role of this variant in disease. Therefore, it has been classified as a Variant of Uncertain Significance.

NM_033641.4(COL4A6):c.1582G>T (p.Ala528Ser)

Gene: COL4A6 (collagen type IV alpha 6 chain; minus strand). Cytogenetic location: Xq22.3.
Variant type: single nucleotide variant.
Coding change: c.1582G>T on transcript NM_033641.4 (MANE Select); coding-DNA position 1582, G replaced by T.
Protein change: p.Ala528Ser; replaces alanine 528 with serine.
Molecular consequence: missense variant.
Genome position (GRCh38, 1-based): chrX:108,188,522, C>A on the plus strand (G>T on the coding strand, the complement: COL4A6 is on the minus strand). VCF-style: chrX-108188522-C-A. GRCh37 (hg19) VCF-style: chrX-107431752-C-A.
Other names: c.1582G>T, p.Ala528Ser (NM_001287758.2, NM_001287759.2, NM_001287760.2); c.1585G>T, p.Ala529Ser (NM_001847.4); short protein forms A529S, A528S.
Identifiers: ClinVar variation 3642803 (VCV003642803.2).